The following is an entry in ClinVar:

NM_001205293.3(CACNA1E):c.2260C>T (p.His754Tyr)

Gene: CACNA1E (calcium voltage-gated channel subunit alpha1 E; plus strand). Cytogenetic location: 1q25.3.
Variant type: single nucleotide variant.
Coding change: c.2260C>T on transcript NM_001205293.3 (MANE Select); coding-DNA position 2260, C replaced by T.
Protein change: p.His754Tyr; replaces histidine 754 with tyrosine.
Molecular consequence: missense variant. On other transcripts: intron variant (1).
Genome position (GRCh38, 1-based): chr1:181,731,194, C>T. VCF-style: chr1-181731194-C-T. GRCh37 (hg19) VCF-style: chr1-181700330-C-T.
Other names: c.2260C>T (NM_001205293.1); c.2260C>T, p.His754Tyr (NM_000721.4); c.2241-1190C>T (NM_001205294.2); short protein forms H754Y.
Identifiers: ClinVar variation 1649733 (VCV001649733.15), dbSNP rs142822925, ClinGen allele CA1275309.

ClinVar aggregate classification (germline): Benign/Likely benign. Review status: criteria provided, multiple submitters, no conflicts (2 of 4 stars). 5 submissions from 5 submitters: Benign (1); Likely benign (4). Last evaluated 2026-02-03.

Conditions:
Developmental and epileptic encephalopathy, 69. Also called: EPILEPTIC ENCEPHALOPATHY, EARLY INFANTILE, 69. Identifiers: MedGen C4748988, MONDO:0032657, OMIM 618285.
Inborn genetic diseases. Identifiers: MedGen C0950123, MeSH D030342.

Allele frequency attached by ClinVar (database versions not stated): gnomAD exomes 0.00002 and 0.00007; ExAC 0.00007; gnomAD 0.00010; TOPMed 0.00018; ESP Exome Variant Server 0.00024; 1000 Genomes Project 30x 0.00031; 1000 Genomes Project 0.00040.
gnomAD v4.1: 94 of 1,613,748 alleles (0.0058%); highest among the groups gnomAD compares: East Asian, 0.047%; 1 homozygote.

Submissions (5):

Labcorp Genetics (formerly Invitae), Labcorp
Classification: Benign. Last evaluated: 2026-02-03. Review status: criteria provided, single submitter. Criteria: Invitae Variant Classification Sherloc (09022015). Collection method: clinical testing. Allele origin: germline.

Blueprint Genetics
Classification: Likely benign. Last evaluated: 2024-11-05. Review status: criteria provided, single submitter. Criteria: ACMG Guidelines, 2015. Collection method: clinical testing. Allele origin: germline.

Ambry Genetics
Classification: Likely benign for Inborn genetic diseases. Last evaluated: 2023-08-02. Review status: criteria provided, single submitter. Criteria: Ambry Variant Classification Scheme 2023. Collection method: clinical testing. Allele origin: germline.

Genome-Nilou Lab
Classification: Likely benign for Developmental and epileptic encephalopathy, 69. Last evaluated: 2023-04-11. Review status: criteria provided, single submitter. Criteria: ACMG Guidelines, 2015. Collection method: clinical testing. Allele origin: germline. Affected: no.

GeneDx
Classification: Likely benign. Last evaluated: 2021-12-08. Review status: criteria provided, single submitter. Criteria: GeneDx Variant Classification Process June 2021. Collection method: clinical testing. Allele origin: germline. Affected: yes.
Comment: See Variant Classification Assertion Criteria.